The following is an entry in ClinVar:

NM_005883.3(APC2):c.1336G>A (p.Val446Ile)

Gene: APC2 (APC regulator of WNT signaling pathway 2; plus strand). Cytogenetic location: 19p13.3.
Variant type: single nucleotide variant.
Coding change: c.1336G>A on transcript NM_005883.3 (MANE Select); coding-DNA position 1336, G replaced by A.
Protein change: p.Val446Ile; replaces valine 446 with isoleucine.
Molecular consequence: missense variant.
Genome position (GRCh38, 1-based): chr19:1,460,213, G>A. VCF-style: chr19-1460213-G-A. GRCh37 (hg19) VCF-style: chr19-1460212-G-A.
Other names: c.1333G>A, p.Val445Ile (NM_001351273.1); short protein forms V445I, V446I.
Identifiers: ClinVar variation 3900384 (VCV003900384.1).

ClinVar aggregate classification (germline): Uncertain significance (1 of 4 stars; one submission).

gnomAD v4.1: 8 of 1,613,438 alleles (0.0005%); highest among the groups gnomAD compares: African/African-American, 0.0093%; no homozygotes.

Submission:

GeneDx
Classification: Uncertain significance. Last evaluated: 2024-11-18. Review status: criteria provided, single submitter. Criteria: GeneDx Variant Classification Process June 2021. Collection method: clinical testing. Allele origin: germline. Affected: yes.
Comment: In silico analysis indicates that this missense variant does not alter protein structure/function; Has not been previously published as pathogenic or benign to our knowledge